The following is an entry in ClinVar:

ClinVar aggregate classification (germline): Uncertain significance (1 of 4 stars; one submission).

Submission:

Labcorp Genetics (formerly Invitae), Labcorp
Classification: Uncertain significance. Last evaluated: 2025-10-26. Review status: criteria provided, single submitter. Criteria: Invitae Variant Classification Sherloc (09022015). Collection method: clinical testing. Allele origin: germline.
Comment: This sequence change replaces arginine, which is basic and polar, with alanine, which is neutral and non-polar, at codon 640 of the AP3D1 protein (p.Arg640Ala). Information on the frequency of this variant in the gnomAD database is not available, as this variant may be reported differently in the database. This variant has not been reported in the literature in individuals affected with AP3D1-related conditions. An algorithm developed to predict the effect of missense changes on protein structure and function (PolyPhen-2) suggests that this variant is likely to be tolerated. In summary, the available evidence is currently insufficient to determine the role of this variant in disease. Therefore, it has been classified as a Variant of Uncertain Significance.

NM_001261826.3(AP3D1):c.1918_1919delinsGC (p.Arg640Ala)

Gene: AP3D1 (adaptor related protein complex 3 subunit delta 1; minus strand). Cytogenetic location: 19p13.3.
Variant type: Indel.
Coding change: c.1918_1919delinsGC on transcript NM_001261826.3 (MANE Select); coding-DNA positions 1918 to 1919, AG replaced by GC.
Protein change: p.Arg640Ala; replaces arginine 640 with alanine.
Molecular consequence: missense variant.
Genome position (GRCh38, 1-based): chr19:2,116,687-2,116,688, CT replaced by GC on the plus strand (AG replaced by GC on the coding strand, the reverse complement: AP3D1 is on the minus strand). VCF-style: chr19-2116687-CT-GC. GRCh37 (hg19) VCF-style: chr19-2116686-CT-GC.
Other names: c.1918_1919delinsGC, p.Arg640Ala (NM_001374799.1, NM_003938.8); short protein forms R640A.
Identifiers: ClinVar variation 4729860 (VCV004729860.1).